The following is an entry in ClinVar:

ClinVar aggregate classification (germline): Likely benign (0 of 4 stars; one submission).

Conditions:
ZP2-related disorder. Also called: ZP2-related condition.

Allele frequency attached by ClinVar (database versions not stated): TOPMed 0.00005; gnomAD exomes 0.00007; ESP Exome Variant Server 0.00008; ExAC 0.00009; gnomAD 0.00012; 1000 Genomes Project 30x 0.00031; 1000 Genomes Project 0.00040.
gnomAD v4.1: 120 of 1,491,904 alleles (0.008%); highest among the groups gnomAD compares: East Asian, 0.064%; 1 homozygote.

Submission:

PreventionGenetics, part of Exact Sciences
Classification: Likely benign for ZP2-related condition. Last evaluated: 2019-09-26. Review status: no assertion criteria provided. Collection method: clinical testing. Allele origin: germline.
Comment: This variant is classified as likely benign based on ACMG/AMP sequence variant interpretation guidelines (Richards et al. 2015 PMID: 25741868, with internal and published modifications).

NM_001376232.1(ZP2):c.1100-9G>A

Gene: ZP2 (zona pellucida glycoprotein 2; minus strand). Cytogenetic location: 16p12.2.
Variant type: single nucleotide variant.
Coding change: c.1100-9G>A on transcript NM_001376232.1 (MANE Select); 9 bases into the intron before coding-DNA position 1100, G replaced by A.
Molecular consequence: intron variant.
Genome position (GRCh38, 1-based): chr16:21,202,300, C>T on the plus strand (G>A on the coding strand, the complement: ZP2 is on the minus strand). VCF-style: chr16-21202300-C-T. GRCh37 (hg19) VCF-style: chr16-21213621-C-T.
Other names: c.1100-9G>A (NM_001376231.1, NM_001376233.1, NM_003460.2).
Identifiers: ClinVar variation 3040441 (VCV003040441.2), dbSNP rs140262712, ClinGen allele CA7949834.